The following is an entry in ClinVar:

ClinVar aggregate classification (germline): Uncertain significance (1 of 4 stars; one submission).

gnomAD v4.1: 2 of 1,614,156 alleles (0.00012%); highest among the groups gnomAD compares: Admixed American, 0.0033%; no homozygotes.

Submission:

Labcorp Genetics (formerly Invitae), Labcorp
Classification: Uncertain significance. Last evaluated: 2022-03-27. Review status: criteria provided, single submitter. Criteria: Invitae Variant Classification Sherloc (09022015). Collection method: clinical testing. Allele origin: germline.
Comment: This variant is present in population databases (no rsID available, gnomAD 0.003%). This sequence change replaces serine, which is neutral and polar, with arginine, which is basic and polar, at codon 3189 of the DNAH9 protein (p.Ser3189Arg). This variant has not been reported in the literature in individuals affected with DNAH9-related conditions. Algorithms developed to predict the effect of missense changes on protein structure and function are either unavailable or do not agree on the potential impact of this missense change (SIFT: "Tolerated"; PolyPhen-2: "Possibly Damaging"; Align-GVGD: "Class C0"). In summary, the available evidence is currently insufficient to determine the role of this variant in disease. Therefore, it has been classified as a Variant of Uncertain Significance.

NM_001372.4(DNAH9):c.9567C>G (p.Ser3189Arg)

Gene: DNAH9 (dynein axonemal heavy chain 9; plus strand). Cytogenetic location: 17p12.
Variant type: single nucleotide variant.
Coding change: c.9567C>G on transcript NM_001372.4 (MANE Select); coding-DNA position 9567, C replaced by G.
Protein change: p.Ser3189Arg; replaces serine 3189 with arginine.
Molecular consequence: missense variant.
Genome position (GRCh38, 1-based): chr17:11,854,062, C>G. VCF-style: chr17-11854062-C-G. GRCh37 (hg19) VCF-style: chr17-11757379-C-G.
Other names: short protein forms S3189R.
Identifiers: ClinVar variation 2044198 (VCV002044198.4), dbSNP rs147124932, ClinGen allele CA398191698.